The following is an entry in ClinVar:

ClinVar aggregate classification (germline): Uncertain significance (1 of 4 stars; one submission).

Conditions:
Hereditary cancer-predisposing syndrome. Also called: Neoplastic Syndromes, Hereditary; Tumor predisposition; Hereditary Cancer Syndrome; Hereditary neoplastic syndrome. Identifiers: Orphanet 140162, MedGen C0027672, MeSH D009386, MONDO:0015356.

Submission:

Ambry Genetics
Classification: Uncertain significance for Hereditary cancer-predisposing syndrome. Last evaluated: 2025-08-29. Review status: criteria provided, single submitter. Criteria: Ambry Variant Classification Scheme 2023. Collection method: clinical testing. Allele origin: germline.
Comment: The p.K616N variant (also known as c.1848G>T), located in coding exon 14 of the SDHA gene, results from a G to T substitution at nucleotide position 1848. The lysine at codon 616 is replaced by asparagine, an amino acid with similar properties. This amino acid position is conserved. In addition, this alteration is predicted to be tolerated by in silico analysis. Based on the available evidence, the clinical significance of this variant remains unclear.

NM_004168.4(SDHA):c.1848G>T (p.Lys616Asn)

Gene: SDHA (succinate dehydrogenase complex flavoprotein subunit A; plus strand). Cytogenetic location: 5p15.33.
Variant type: single nucleotide variant.
Coding change: c.1848G>T on transcript NM_004168.4 (MANE Select); coding-DNA position 1848, G replaced by T.
Protein change: p.Lys616Asn; replaces lysine 616 with asparagine.
Molecular consequence: missense variant.
Genome position (GRCh38, 1-based): chr5:254,446, G>T. VCF-style: chr5-254446-G-T. GRCh37 (hg19) VCF-style: chr5-254561-G-T.
Other names: c.1704G>T, p.Lys568Asn (NM_001294332.2); c.1605G>T, p.Lys535Asn (NM_001330758.2); short protein forms K568N, K616N, K535N.
Identifiers: ClinVar variation 4161175 (VCV004161175.1).